The following is an entry in ClinVar:

ClinVar aggregate classification (germline): Benign/Likely benign. Review status: criteria provided, multiple submitters, no conflicts (2 of 4 stars). 8 submissions from 8 submitters: Benign (1); Likely benign (7). Last evaluated 2026-01-19.

Conditions:
Cardiovascular phenotype. Identifiers: MedGen CN230736.
Cardiomyopathy (CMYO). Also called: Cardiomyopathies. Identifiers: Orphanet 167848, MedGen C0878544, MONDO:0004994, HP:0001638. Inheritance: Various modes of inheritance.
Arrhythmogenic right ventricular cardiomyopathy (ARVD). Also called: Arrhythmogenic right ventricular dysplasia; Cardiomyopathy, ARVC; Arrhythmogenic cardiomyopathy; Arrhythmogenic Right Ventricular Cardiomyopathy (ARVC). Identifiers: Orphanet 247, MedGen C0349788, MeSH D019571, MONDO:0016587. Disease mechanism: loss of function. Inheritance: Various modes of inheritance.
Arrhythmogenic right ventricular dysplasia 9 (ARVD9). Also called: Arrhythmogenic Right Ventricular Dysplasia/Cardiomyopathy 9; ARRHYTHMOGENIC RIGHT VENTRICULAR DYSPLASIA, FAMILIAL, 9. Identifiers: MedGen C1836906, MONDO:0012180, OMIM 609040.

Allele frequency attached by ClinVar (database versions not stated): ExAC 0.00005; gnomAD 0.00010; gnomAD exomes 0.00011 and 0.00012; TOPMed 0.00021.
gnomAD v4.1: 184 of 1,534,876 alleles (0.012%); highest among the groups gnomAD compares: Admixed American, 0.04%; no homozygotes.

Submissions (8):

Labcorp Genetics (formerly Invitae), Labcorp
Classification: Likely benign for Arrhythmogenic right ventricular dysplasia 9. Last evaluated: 2026-01-19. Review status: criteria provided, single submitter. Criteria: Invitae Variant Classification Sherloc (09022015). Collection method: clinical testing. Allele origin: germline.

Molecular Diagnostic Laboratory for Inherited Cardiovascular Disease, Montreal Heart Institute
Classification: Likely benign. Last evaluated: 2025-04-09. Review status: criteria provided, single submitter. Criteria: ACMG Guidelines, 2015. Collection method: clinical testing. Allele origin: germline. Affected: no.

Blueprint Genetics
Classification: Likely benign. Last evaluated: 2024-11-24. Review status: criteria provided, single submitter. Criteria: ACMG Guidelines, 2015. Collection method: clinical testing. Allele origin: germline.

Women's Health and Genetics/Laboratory Corporation of America, LabCorp
Classification: Likely benign. Last evaluated: 2024-09-09. Review status: criteria provided, single submitter. Criteria: LabCorp Variant Classification Summary - May 2015. Collection method: clinical testing. Allele origin: germline.

All of Us Research Program, National Institutes of Health
Classification: Likely benign for Arrhythmogenic right ventricular cardiomyopathy. Last evaluated: 2024-02-05. Review status: criteria provided, single submitter. Criteria: ACMG Guidelines, 2015. Collection method: clinical testing. Allele origin: germline. Inheritance: Autosomal dominant inheritance. Observed: 43 variant alleles, 43 heterozygotes.
Comment: This study involves interpretation of variants in research participants for the purpose of population health screening. Participant phenotype was not available at the time of variant classification. Additional details can be found in publication PMID: 35346344, PMCID: PMC8962531

Ambry Genetics
Classification: Likely benign for Cardiovascular phenotype. Last evaluated: 2019-06-25. Review status: criteria provided, single submitter. Criteria: Ambry Variant Classification Scheme 2023. Collection method: clinical testing. Allele origin: germline.

Color Diagnostics, LLC DBA Color Health
Classification: Likely benign for Cardiomyopathy. Last evaluated: 2018-04-21. Review status: criteria provided, single submitter. Criteria: ACMG Guidelines, 2015. Collection method: clinical testing. Allele origin: germline.

GeneDx
Classification: Benign. Last evaluated: 2015-03-03. Review status: criteria provided, single submitter. Criteria: GeneDx Variant Classification Process June 2021. Collection method: clinical testing. Allele origin: germline. Affected: yes.

NM_001005242.3(PKP2):c.45C>T (p.Thr15=)

Gene: PKP2 (plakophilin 2; minus strand). Cytogenetic location: 12p11.21.
Variant type: single nucleotide variant.
Coding change: c.45C>T on transcript NM_001005242.3 (MANE Select); coding-DNA position 45, C replaced by T.
Protein change: p.Thr15=; no amino-acid change (threonine 15 retained).
Molecular consequence: synonymous variant.
Genome position (GRCh38, 1-based): chr12:32,896,687, G>A on the plus strand (C>T on the coding strand, the complement: PKP2 is on the minus strand). VCF-style: chr12-32896687-G-A. GRCh37 (hg19) VCF-style: chr12-33049621-G-A.
Other names: c.45C>T (NM_001005242.2); c.45C>T, p.Thr15= (NM_004572.4).
Identifiers: ClinVar variation 464430 (VCV000464430.22), dbSNP rs759214983, ClinGen allele CA037410.